The following is an entry in ClinVar:

NM_002972.4(SBF1):c.3179dup (p.Lys1061fs)

Gene: SBF1 (SET binding factor 1; minus strand). Cytogenetic location: 22q13.33.
Variant type: Duplication.
Coding change: c.3179dup on transcript NM_002972.4 (MANE Select); coding-DNA position 3179, one base duplicated (A; older notation c.3179dupA).
Protein change: p.Lys1061fs; shifts the reading frame from lysine 1061.
Molecular consequence: frameshift variant.
Genome position (GRCh38, 1-based): chr22:50,460,376, T duplicated on the plus strand (A on the coding strand, the reverse complement: SBF1 is on the minus strand); the first of 2 consecutive T bases (chr22:50,460,376-50,460,377); duplicating either gives the same sequence. VCF-style (leftmost placement, unchanged base first): chr22-50460375-C-CT. GRCh37 (hg19) VCF-style: chr22-50898804-C-CT.
Other names: c.3182dup, p.Lys1062fs (NM_001365819.1); short protein forms K1061fs, K1062fs.
Identifiers: ClinVar variation 1452526 (VCV001452526.6), dbSNP rs2148585556, ClinGen allele CA2573158273.
Genomic context (GRCh38, chr22:50,460,375, plus strand): 5'-GTGCTCCCAGCTGGGGGGGTTGTACTTCTTGCGAGTGACATGCTGCCGCCCGATGGTCTT[C>CT]TTGGCGTTCTTGACCAGGTTCCGGGACAGGGTTCTGAGGCCCACGAGAGTCAGCAAAGGT-3'

ClinVar aggregate classification (germline): Pathogenic (1 of 4 stars; one submission).

Submission:

Labcorp Genetics (formerly Invitae), Labcorp
Classification: Pathogenic. Last evaluated: 2021-05-17. Review status: criteria provided, single submitter. Criteria: Invitae Variant Classification Sherloc (09022015). Collection method: clinical testing. Allele origin: germline.
Comment: For these reasons, this variant has been classified as Pathogenic. This variant has not been reported in the literature in individuals with SBF1-related conditions. This variant is not present in population databases (ExAC no frequency). This sequence change creates a premature translational stop signal (p.Lys1061Glufs*27) in the SBF1 gene. It is expected to result in an absent or disrupted protein product. Loss-of-function variants in SBF1 are known to be pathogenic (PMID: 28005197, 28902413).

Literature cited by the submitters: PubMed 28005197; PubMed 28902413.